The following is an entry in ClinVar:

NM_000235.4(LIPA):c.877A>G (p.Met293Val)

Gene: LIPA (lipase A, lysosomal acid type; minus strand). Cytogenetic location: 10q23.31.
Variant type: single nucleotide variant.
Coding change: c.877A>G on transcript NM_000235.4 (MANE Select); coding-DNA position 877, A replaced by G.
Protein change: p.Met293Val; replaces methionine 293 with valine.
Molecular consequence: missense variant.
Genome position (GRCh38, 1-based): chr10:89,222,528, T>C on the plus strand (A>G on the coding strand, the complement: LIPA is on the minus strand). VCF-style: chr10-89222528-T-C. GRCh37 (hg19) VCF-style: chr10-90982285-T-C.
Other names: c.877A>G, p.Met293Val (NM_001127605.3); c.529A>G, p.Met177Val (NM_001288979.2); short protein forms M177V, M293V.
Identifiers: ClinVar variation 3230717 (VCV003230717.1), dbSNP rs764343762, ClinGen allele CA5593585.

ClinVar aggregate classification (germline): Uncertain significance (1 of 4 stars; one submission).

Conditions:
Cardiovascular phenotype. Identifiers: MedGen CN230736.

Allele frequency attached by ClinVar (database versions not stated): ExAC 0.00001; gnomAD 0.00001; TOPMed 0.00001.
gnomAD v4.1: 8 of 1,609,956 alleles (0.0005%); highest among the groups gnomAD compares: African/African-American, 0.0013%; no homozygotes.

Submission:

Ambry Genetics
Classification: Uncertain significance for Cardiovascular phenotype. Last evaluated: 2024-03-11. Review status: criteria provided, single submitter. Criteria: Ambry Variant Classification Scheme 2023. Collection method: clinical testing. Allele origin: germline.
Comment: The p.M293V variant (also known as c.877A>G), located in coding exon 7 of the LIPA gene, results from an A to G substitution at nucleotide position 877. The methionine at codon 293 is replaced by valine, an amino acid with highly similar properties. This amino acid position is conserved. In addition, this alteration is predicted to be tolerated by in silico analysis. Based on the available evidence, the clinical significance of this alteration remains unclear.